The following is an entry in ClinVar:

NM_016103.4(SAR1B):c.520G>A (p.Glu174Lys)

Gene: SAR1B (secretion associated Ras related GTPase 1B; minus strand). Cytogenetic location: 5q31.1.
Variant type: single nucleotide variant.
Coding change: c.520G>A on transcript NM_016103.4 (MANE Select); coding-DNA position 520, G replaced by A.
Protein change: p.Glu174Lys; replaces glutamic acid 174 with lysine.
Molecular consequence: missense variant.
Genome position (GRCh38, 1-based): chr5:134,607,027, C>T on the plus strand (G>A on the coding strand, the complement: SAR1B is on the minus strand). VCF-style: chr5-134607027-C-T. GRCh37 (hg19) VCF-style: chr5-133942717-C-T.
Other names: c.520G>A, p.Glu174Lys (NM_001033503.3); short protein forms E174K.
Identifiers: ClinVar variation 1964594 (VCV001964594.5), dbSNP rs1288784484, ClinGen allele CA360999645.
Genomic context (GRCh38, chr5:134,607,027, plus strand): 5'-CCATCCAGCGGAAGCCTTCTCCGTAACCTTGTCTTTTGAGCACACTACACATGAAAACTT[C>T]TAAGGGTCGGGCATTCAGTTCTTTCAGAGATATACTCCCCTAGAATAGAAGAGAGACATT-3'
Protein context (NP_057187.1, residues 164-184): SLKELNARPL[Glu174Lys]VFMCSVLKRQ

ClinVar aggregate classification (germline): Uncertain significance (1 of 4 stars; one submission).

Allele frequency attached by ClinVar (database versions not stated): gnomAD exomes below 0.00001.
gnomAD v4.1: 1 of 1,614,058 alleles (0.000062%); highest among the groups gnomAD compares: Non-Finnish European, 0.000085%; no homozygotes.

Submission:

Labcorp Genetics (formerly Invitae), Labcorp
Classification: Uncertain significance. Last evaluated: 2022-04-16. Review status: criteria provided, single submitter. Criteria: Invitae Variant Classification Sherloc (09022015). Collection method: clinical testing. Allele origin: germline.
Comment: In summary, the available evidence is currently insufficient to determine the role of this variant in disease. Therefore, it has been classified as a Variant of Uncertain Significance. Algorithms developed to predict the effect of missense changes on protein structure and function (SIFT, PolyPhen-2, Align-GVGD) all suggest that this variant is likely to be disruptive. This variant has not been reported in the literature in individuals affected with SAR1B-related conditions. This variant is not present in population databases (gnomAD no frequency). This sequence change replaces glutamic acid, which is acidic and polar, with lysine, which is basic and polar, at codon 174 of the SAR1B protein (p.Glu174Lys).